The following is an entry in ClinVar:

NM_001447.3(FAT2):c.3655G>A (p.Glu1219Lys)

Genes: FAT2 (FAT atypical cadherin 2; minus strand), SLC36A1 (solute carrier family 36 member 1; plus strand). Cytogenetic location: 5q33.1.
Variant type: single nucleotide variant.
Coding change: c.3655G>A on transcript NM_001447.3 (MANE Select); coding-DNA position 3655, G replaced by A.
Protein change: p.Glu1219Lys; replaces glutamic acid 1219 with lysine.
Molecular consequence: missense variant.
Genome position (GRCh38, 1-based): chr5:151,554,652, C>T on the plus strand (G>A on the coding strand, the complement: FAT2 is on the minus strand). VCF-style: chr5-151554652-C-T. GRCh37 (hg19) VCF-style: chr5-150934213-C-T.
Other names: short protein forms E1219K.
Identifiers: ClinVar variation 2540341 (VCV002540341.5), dbSNP rs944692308, ClinGen allele CA129971166.

ClinVar aggregate classification (germline): Uncertain significance. Review status: criteria provided, multiple submitters, no conflicts (2 of 4 stars). 2 submissions from 2 submitters: Uncertain significance (2). Last evaluated 2023-08-02.

Allele frequency attached by ClinVar (database versions not stated): gnomAD 0.00003; TOPMed 0.00010.
gnomAD v4.1: 5 of 1,613,374 alleles (0.00031%); highest among the groups gnomAD compares: Admixed American, 0.0067%; no homozygotes.

Submissions (2):

Labcorp Genetics (formerly Invitae), Labcorp
Classification: Uncertain significance. Last evaluated: 2023-08-02. Review status: criteria provided, single submitter. Criteria: Invitae Variant Classification Sherloc (09022015). Collection method: clinical testing. Allele origin: germline.
Comment: This sequence change replaces glutamic acid, which is acidic and polar, with lysine, which is basic and polar, at codon 1219 of the FAT2 protein (p.Glu1219Lys). This variant is not present in population databases (gnomAD no frequency). In summary, the available evidence is currently insufficient to determine the role of this variant in disease. Therefore, it has been classified as a Variant of Uncertain Significance. Advanced modeling of protein sequence and biophysical properties (such as structural, functional, and spatial information, amino acid conservation, physicochemical variation, residue mobility, and thermodynamic stability) performed at Invitae indicates that this missense variant is expected to disrupt FAT2 protein function. ClinVar contains an entry for this variant (Variation ID: 2540341). This variant has not been reported in the literature in individuals affected with FAT2-related conditions.

Ambry Genetics
Classification: Uncertain significance. Last evaluated: 2023-04-25. Review status: criteria provided, single submitter. Criteria: Ambry Variant Classification Scheme 2023. Collection method: clinical testing. Allele origin: germline.